The following is an entry in ClinVar:

ClinVar aggregate classification (germline): Conflicting classifications of pathogenicity. Review status: criteria provided, conflicting classifications (1 of 4 stars). 4 submissions from 4 submitters: Likely pathogenic (1); Uncertain significance (3). Last evaluated 2025-07-29.

Conditions:
Cardiovascular phenotype. Identifiers: MedGen CN230736.
Long QT syndrome (LQTS). Identifiers: MedGen C0023976, MeSH D008133, MONDO:0002442. Disease mechanism: loss of function. Inheritance: Various modes of inheritance.

Submissions (4):

Labcorp Genetics (formerly Invitae), Labcorp
Classification: Uncertain significance for Long QT syndrome. Last evaluated: 2025-07-29. Review status: criteria provided, single submitter. Criteria: Invitae Variant Classification Sherloc (09022015). Collection method: clinical testing. Allele origin: germline.
Comment: This sequence change replaces leucine, which is neutral and non-polar, with arginine, which is basic and polar, at codon 499 of the KCNH2 protein (p.Leu499Arg). This variant is not present in population databases (gnomAD no frequency). This variant has not been reported in the literature in individuals affected with KCNH2-related conditions. ClinVar contains an entry for this variant (Variation ID: 200346). An algorithm developed to predict the effect of missense changes on protein structure and function (PolyPhen-2) suggests that this variant is likely to be disruptive. In summary, the available evidence is currently insufficient to determine the role of this variant in disease. Therefore, it has been classified as a Variant of Uncertain Significance.

GeneDx
Classification: Uncertain significance. Last evaluated: 2020-02-27. Review status: criteria provided, single submitter. Criteria: GeneDx Variant Classification Process June 2021. Collection method: clinical testing. Allele origin: germline. Affected: yes.
Comment: Has not been previously published as pathogenic or benign to our knowledge; Not observed in large population cohorts (Lek et al., 2016); In silico analysis supports that this missense variant has a deleterious effect on protein structure/function

Ambry Genetics
Classification: Likely pathogenic for Cardiovascular phenotype. Last evaluated: 2019-04-05. Review status: criteria provided, single submitter. Criteria: Ambry Variant Classification Scheme 2023. Collection method: clinical testing. Allele origin: germline.
Comment: The p.L499R likely pathogenic variant (also known as c.1496T>G), located in coding exon 6 of the KCNH2 gene, results from a T to G substitution at nucleotide position 1496. The leucine at codon 499 is replaced by arginine, an amino acid with dissimilar properties, and is located in the S3, transmembrane spanning region of the protein. This variant is located in a functional domain and internal structural analysis predicts it to be more destabilizing than nearby previously reported likely pathogenic variants with known functional effects (Miller KE et al. J Comp Neurol. 1989; 279(4):619-28; Long SB et al Nature. 2007; 450(7168):376 82; Itoh H, Circ Arrhythm Electrophysiol. 2009; 2(5):511-23; Anderson CL et al. Nat Commun. 2014; 5:5535). This variant was not reported in population-based cohorts in the Genome Aggregation Database (gnomAD). In addition, unpublished data in a family with long QT syndrome suggest this variant segregates with disease. This amino acid position is highly conserved in available vertebrate species. In addition, this alteration is predicted to be deleterious by in silico analysis. Based on the majority of available evidence to date, this variant is likely to be pathogenic.

Stanford Center for Inherited Cardiovascular Disease, Stanford University
Classification: Uncertain significance. Last evaluated: 2013-07-29. Review status: criteria provided, single submitter. Criteria: ACMG Guidelines, 2015. Collection method: provider interpretation. Allele origin: germline.

Literature cited by the submitters: PubMed 18004376 (cited by Ambry Genetics); PubMed 19843919 (cited by Ambry Genetics); PubMed 25417810 (cited by Ambry Genetics); PubMed 2563738 (cited by Ambry Genetics).

NM_000238.4(KCNH2):c.1496T>G (p.Leu499Arg)

Gene: KCNH2 (potassium voltage-gated channel subfamily H member 2; minus strand). Cytogenetic location: 7q36.1.
Variant type: single nucleotide variant.
Coding change: c.1496T>G on transcript NM_000238.4 (MANE Select); coding-DNA position 1496, T replaced by G.
Protein change: p.Leu499Arg; replaces leucine 499 with arginine.
Molecular consequence: missense variant.
Genome position (GRCh38, 1-based): chr7:150,952,486, A>C on the plus strand (T>G on the coding strand, the complement: KCNH2 is on the minus strand). VCF-style: chr7-150952486-A-C. GRCh37 (hg19) VCF-style: chr7-150649574-A-C.
Other names: p.L499R:CTC>CGC; c.476T>G, p.Leu159Arg (NM_001204798.2, NM_172057.3); c.1208T>G, p.Leu403Arg (NM_001406753.1, NM_001406756.1); c.1319T>G, p.Leu440Arg (NM_001406755.1); c.1196T>G, p.Leu399Arg (NM_001406757.1); c.1496T>G, p.Leu499Arg (NM_172056.3); short protein forms L159R, L499R, L403R, L399R, L440R.
Identifiers: ClinVar variation 200346 (VCV000200346.11), dbSNP rs794728370, ClinGen allele CA004714.